The following is an entry in ClinVar:

ClinVar aggregate classification (germline): Uncertain significance (1 of 4 stars; one submission).

Conditions:
Inborn genetic diseases. Identifiers: MedGen C0950123, MeSH D030342.

gnomAD v4.1: 5 of 1,607,796 alleles (0.00031%); highest among the groups gnomAD compares: Non-Finnish European, 0.00042%; no homozygotes.

Submission:

Ambry Genetics
Classification: Uncertain significance for Inborn genetic diseases. Last evaluated: 2024-11-26. Review status: criteria provided, single submitter. Criteria: Ambry Variant Classification Scheme 2023. Collection method: clinical testing. Allele origin: germline.
Comment: The p.S11C variant (also known as c.31A>T), located in coding exon 1 of the USB1 gene, results from an A to T substitution at nucleotide position 31. The serine at codon 11 is replaced by cysteine, an amino acid with dissimilar properties. This amino acid position is conserved. In addition, this alteration is predicted to be tolerated by in silico analysis. Based on the available evidence, the clinical significance of this variant remains unclear.

NM_024598.4(USB1):c.31A>T (p.Ser11Cys)

Genes: USB1 (U6 snRNA biogenesis phosphodiesterase 1; plus strand), LOC112469011 (Sharpr-MPRA regulatory region 3942; plus strand). Cytogenetic location: 16q21.
Variant type: single nucleotide variant.
Coding change: c.31A>T on transcript NM_024598.4 (MANE Select); coding-DNA position 31, A replaced by T.
Protein change: p.Ser11Cys; replaces serine 11 with cysteine.
Molecular consequence: missense variant. On other transcripts: intron variant (1).
Genome position (GRCh38, 1-based): chr16:58,001,514, A>T. VCF-style: chr16-58001514-A-T. GRCh37 (hg19) VCF-style: chr16-58035418-A-T.
Other names: c.31A>T, p.Ser11Cys (NM_001195302.2, NM_001204911.2, NM_001330569.2); c.-55-965A>T (NM_001330568.2); short protein forms S11C.
Identifiers: ClinVar variation 3466477 (VCV003466477.1).
Genomic context (GRCh38, chr16:58,001,514, plus strand): 5'-ACCTGCTCTGGTGGTCTTGGATGAGGCCCCATGAGCGCGGCGCCCCTGGTGGGCTACAGC[A>T]GCAGCGGCTCCGAGGATGAGTCCGAGGACGGGATGCGGACCAGGCCGGGGGATGGGAGCC-3'
Protein context (NP_078874.2, residues 1-21): MSAAPLVGYS[Ser11Cys]SGSEDESEDG